The following is an entry in ClinVar:

NM_016816.4(OAS1):c.334G>A (p.Glu112Lys)

Gene: OAS1 (2'-5'-oligoadenylate synthetase 1; plus strand). Cytogenetic location: 12q24.13.
Variant type: single nucleotide variant.
Coding change: c.334G>A on transcript NM_016816.4 (MANE Select); coding-DNA position 334, G replaced by A.
Protein change: p.Glu112Lys; replaces glutamic acid 112 with lysine.
Molecular consequence: missense variant.
Genome position (GRCh38, 1-based): chr12:112,908,689, G>A. VCF-style: chr12-112908689-G-A. GRCh37 (hg19) VCF-style: chr12-113346494-G-A.
Other names: c.334G>A, p.Glu112Lys (NM_001032409.3, NM_001320151.2, NM_002534.4); short protein forms E112K.
Identifiers: ClinVar variation 1691614 (VCV001691614.5), dbSNP rs1309955547, ClinGen allele CA386800513.

ClinVar aggregate classification (germline): Uncertain significance. Review status: criteria provided, multiple submitters, no conflicts (2 of 4 stars). 2 submissions from 2 submitters: Uncertain significance (2). Last evaluated 2024-12-24.

gnomAD v4.1: 1 of 1,614,224 alleles (0.000062%); highest among the groups gnomAD compares: Non-Finnish European, 0.000085%; no homozygotes.

Submissions (2):

Labcorp Genetics (formerly Invitae), Labcorp
Classification: Uncertain significance. Last evaluated: 2024-12-24. Review status: criteria provided, single submitter. Criteria: Invitae Variant Classification Sherloc (09022015). Collection method: clinical testing. Allele origin: germline.
Comment: This sequence change replaces glutamic acid, which is acidic and polar, with lysine, which is basic and polar, at codon 112 of the OAS1 protein (p.Glu112Lys). This variant is not present in population databases (gnomAD no frequency). This variant has not been reported in the literature in individuals affected with OAS1-related conditions. ClinVar contains an entry for this variant (Variation ID: 1691614). An algorithm developed to predict the effect of missense changes on protein structure and function outputs the following: PolyPhen-2: "Benign". The lysine amino acid residue is found in multiple mammalian species, which suggests that this missense change does not adversely affect protein function. In summary, the available evidence is currently insufficient to determine the role of this variant in disease. Therefore, it has been classified as a Variant of Uncertain Significance.

GeneDx
Classification: Uncertain significance. Last evaluated: 2021-11-23. Review status: criteria provided, single submitter. Criteria: GeneDx Variant Classification Process June 2021. Collection method: clinical testing. Allele origin: germline. Affected: yes.
Comment: Not observed at significant frequency in large population cohorts (gnomAD); In silico analysis supports that this missense variant has a deleterious effect on protein structure/function; Has not been previously published as pathogenic or benign to our knowledge